The following is an entry in ClinVar:

NM_001356.5(DDX3X):c.1819G>T (p.Gly607Cys)

Gene: DDX3X (DEAD-box helicase 3 X-linked; plus strand). Cytogenetic location: Xp11.4.
Variant type: single nucleotide variant.
Coding change: c.1819G>T on transcript NM_001356.5 (MANE Select); coding-DNA position 1819, G replaced by T.
Protein change: p.Gly607Cys; replaces glycine 607 with cysteine.
Molecular consequence: missense variant. On other transcripts: non-coding transcript variant (1).
Genome position (GRCh38, 1-based): chrX:41,347,361, G>T. VCF-style: chrX-41347361-G-T. GRCh37 (hg19) VCF-style: chrX-41206614-G-T.
Other names: c.1816G>T, p.Gly606Cys (NM_001193416.3); c.1771G>T, p.Gly591Cys (NM_001193417.3); c.1258G>T, p.Gly420Cys (NM_001363819.1); short protein forms G420C, G591C, G606C, G607C.
Identifiers: ClinVar variation 4882293 (VCV004882293.2).
Genomic context (GRCh38, chrX:41,347,361, plus strand): 5'-TTTTCTTATAGTAGCAGATTTAGTGGAGGGTTTGGTGCCAGAGACTACCGACAAAGTAGC[G>T]GTGCCAGCAGTTCCAGCTTCAGCAGCAGCCGCGCAAGCAGCAGCCGCAGTGGCGGAGGTG-3'
Protein context (NP_001347.3, residues 597-617): FGARDYRQSS[Gly607Cys]ASSSSFSSSR

ClinVar aggregate classification (germline): Uncertain significance (1 of 4 stars; one submission).

Submission:

Dasa
Classification: Uncertain significance. Last evaluated: 2024-07-05. Review status: criteria provided, single submitter. Criteria: DASA Assertion Criteria. Collection method: clinical testing. Allele origin: germline.
Comment: NM_001356.5(DDX3X):c.1819G>T (p.Gly607Cys) is a missense variant that results in the substitution of glycine with cysteine. This variant is rare in population databases. Computational prediction algorithms are consistent with a benign effect. The currently available literature and clinical evidence are not sufficient to establish a definitive association between this variant and the reported condition. Therefore, this variant is classified as a variant of uncertain significance.